The following is an entry in ClinVar:

ClinVar aggregate classification (germline): Likely benign (1 of 4 stars; one submission).

Allele frequency attached by ClinVar (database versions not stated): gnomAD exomes below 0.00001.

Submission:

GeneDx
Classification: Likely benign. Last evaluated: 2018-06-20. Review status: criteria provided, single submitter. Criteria: GeneDx Variant Classification (06012015). Collection method: clinical testing. Allele origin: germline. Affected: yes.
Comment: This variant is considered likely benign or benign based on one or more of the following criteria: it is a conservative change, it occurs at a poorly conserved position in the protein, it is predicted to be benign by multiple in silico algorithms, and/or has population frequency not consistent with disease.

NM_003978.5(PSTPIP1):c.912C>A (p.Ser304=)

Gene: PSTPIP1 (proline-serine-threonine phosphatase interacting protein 1; plus strand). Cytogenetic location: 15q24.3.
Variant type: single nucleotide variant.
Coding change: c.912C>A on transcript NM_003978.5 (MANE Select); coding-DNA position 912, C replaced by A.
Protein change: p.Ser304=; no amino-acid change (serine 304 retained).
Molecular consequence: synonymous variant. On other transcripts: intron variant (1).
Genome position (GRCh38, 1-based): chr15:77,032,935, C>A. VCF-style: chr15-77032935-C-A. GRCh37 (hg19) VCF-style: chr15-77325276-C-A.
Other names: c.885C>A, p.Ser295= (NM_001321136.2); c.1107C>A, p.Ser369= (NM_001321137.1); c.872+507C>A (NM_001321135.2).
Identifiers: ClinVar variation 672342 (VCV000672342.1), dbSNP rs1181224630, ClinGen allele CA491336023.
Genomic context (GRCh38, chr15:77,032,935, plus strand): 5'-CCAGAACTATTACGATCGGGAGGTCACCCCGCTGACCAGCAGCCCTGGCATACAGCCGTC[C>A]TGCGGCATGATAAAGAGGTGAGGCCCCGACAGACGGAGGGAGGGCCTAAGGCTGGGCCAG-3'
Protein context (NP_003969.2, residues 294-314): PLTSSPGIQP[Ser304=]CGMIKRFSGL